The following is an entry in ClinVar:

NM_000211.5(ITGB2):c.843del (p.Asn282fs)

Gene: ITGB2 (integrin subunit beta 2; minus strand). Cytogenetic location: 21q22.3.
Variant type: Deletion.
Coding change: c.843del on transcript NM_000211.5 (MANE Select); coding-DNA position 843, one base deleted (C; older notation c.843delC).
Protein change: p.Asn282fs; shifts the reading frame from asparagine 282.
Molecular consequence: frameshift variant.
Genome position (GRCh38, 1-based): chr21:44,900,374, G deleted on the plus strand (C on the coding strand, the reverse complement: ITGB2 is on the minus strand); the first of 5 consecutive G bases (chr21:44,900,374-44,900,378); deleting any one gives the same sequence. VCF-style (leftmost placement, unchanged base first): chr21-44900373-TG-T. GRCh37 (hg19) VCF-style: chr21-46320288-TG-T.
Other names: c.843del (LRG_76t1); c.843del, p.Asn282fs (NM_001127491.3); c.636del, p.Asn213fs (NM_001303238.2); short protein forms N282fs, N213fs.
Identifiers: ClinVar variation 100762 (VCV000100762.4), dbSNP rs483352815, ClinGen allele CA249782.

ClinVar aggregate classification (germline): Pathogenic (0 of 4 stars; one submission).

Conditions:
Leukocyte adhesion deficiency 1 (LAD1). Also called: LEUKOCYTE ADHESION DEFICIENCY, TYPE I; LAD 1; Lymphocyte function-associated antigen 1 immunodeficiency; LFA 1 immunodeficiency. Identifiers: Orphanet 2968, Orphanet 99842, MedGen C0398738, MONDO:0007293, OMIM 116920.

Submission:

Genomic Research Center, Shahid Beheshti University of Medical Sciences
Classification: Pathogenic for Leukocyte adhesion deficiency type 1. Review status: no assertion criteria provided. Collection method: not provided. Allele origin: inherited. Study: Mutation spectra of the ITGB2 gene in Iranian families with leukocyte adhesion deficiency type 1.
ClinVar note: Converted during submission from pathogenic to Pathogenic.